The following is an entry in ClinVar:

ClinVar aggregate classification (germline): Uncertain significance. Review status: criteria provided, multiple submitters, no conflicts (2 of 4 stars). 2 submissions from 2 submitters: Uncertain significance (2). Last evaluated 2025-08-26.

Conditions:
Short-rib thoracic dysplasia 14 with polydactyly (SRTD14). Identifiers: Orphanet 397715, MedGen C4225286, MONDO:0014688, OMIM 616546.
Joubert syndrome 23 (JBTS23). Identifiers: Orphanet 475, MedGen C4084822, MONDO:0014664, OMIM 616490.
Inborn genetic diseases. Identifiers: MedGen C0950123, MeSH D030342.

Allele frequency attached by ClinVar (database versions not stated): TOPMed below 0.00001.
gnomAD v4.1: 1 of 1,610,430 alleles (0.000062%); no homozygotes.

Submissions (2):

Ambry Genetics
Classification: Uncertain significance for Inborn genetic diseases. Last evaluated: 2025-08-26. Review status: criteria provided, single submitter. Criteria: Ambry Variant Classification Scheme 2023. Collection method: clinical testing. Allele origin: germline.

Labcorp Genetics (formerly Invitae), Labcorp
Classification: Uncertain significance for Joubert syndrome 23; Short-rib thoracic dysplasia 14 with polydactyly. Last evaluated: 2022-08-16. Review status: criteria provided, single submitter. Criteria: Invitae Variant Classification Sherloc (09022015). Collection method: clinical testing. Allele origin: germline.
Comment: In summary, the available evidence is currently insufficient to determine the role of this variant in disease. Therefore, it has been classified as a Variant of Uncertain Significance. Algorithms developed to predict the effect of missense changes on protein structure and function output the following: SIFT: "Deleterious"; PolyPhen-2: "Benign"; Align-GVGD: "Class C0". The leucine amino acid residue is found in multiple mammalian species, which suggests that this missense change does not adversely affect protein function. ClinVar contains an entry for this variant (Variation ID: 1504273). This variant has not been reported in the literature in individuals affected with KIAA0586-related conditions. This variant is not present in population databases (gnomAD no frequency). This sequence change replaces proline, which is neutral and non-polar, with leucine, which is neutral and non-polar, at codon 1199 of the KIAA0586 protein (p.Pro1199Leu).

NM_001329943.3(KIAA0586):c.3437C>T (p.Pro1146Leu)

Gene: KIAA0586 (KIAA0586; plus strand). Cytogenetic location: 14q23.1.
Variant type: single nucleotide variant.
Coding change: c.3437C>T on transcript NM_001329943.3 (MANE Select); coding-DNA position 3437, C replaced by T.
Protein change: p.Pro1146Leu; replaces proline 1146 with leucine.
Molecular consequence: missense variant.
Genome position (GRCh38, 1-based): chr14:58,488,019, C>T. VCF-style: chr14-58488019-C-T. GRCh37 (hg19) VCF-style: chr14-58954737-C-T.
Other names: c.3596C>T, p.Pro1199Leu (NM_001244189.2); c.3392C>T, p.Pro1131Leu (NM_001244190.2); c.3182C>T, p.Pro1061Leu (NM_001244191.2, NM_001329945.2, NM_001364700.1 and 1 more transcripts); c.3305C>T, p.Pro1102Leu (NM_001244192.2); c.3017C>T, p.Pro1006Leu (NM_001244193.2); c.3437C>T, p.Pro1146Leu (NM_001329944.2, NM_001329946.2, NM_001329947.2); c.3209C>T, p.Pro1070Leu (NM_014749.5); c.3209C>T (NM_014749.3); short protein forms P1006L, P1061L, P1102L, P1146L, P1070L, P1131L, P1199L.
Identifiers: ClinVar variation 1504273 (VCV001504273.9), dbSNP rs2042587558, ClinGen allele CA389882001.
Genomic context (GRCh38, chr14:58,488,019, plus strand): 5'-CGGCAGTTTTTACCCCAACTTTGTCAGATATTTCCATTGATAAATTGAAGGTATCAAGCC[C>T]AGAGCTTCCCAAGCCATGGGGTGATGGAGACCTGCCACTGGAAGAAGAGAACCCTAACTC-3'
Protein context (NP_001316872.1, residues 1136-1156): ISIDKLKVSS[Pro1146Leu]ELPKPWGDGD